The following is an entry in ClinVar:

NM_005559.4(LAMA1):c.4249G>A (p.Gly1417Arg)

Gene: LAMA1 (laminin subunit alpha 1; minus strand). Cytogenetic location: 18p11.31.
Variant type: single nucleotide variant.
Coding change: c.4249G>A on transcript NM_005559.4 (MANE Select); coding-DNA position 4249, G replaced by A.
Protein change: p.Gly1417Arg; replaces glycine 1417 with arginine.
Molecular consequence: missense variant.
Genome position (GRCh38, 1-based): chr18:7,007,150, C>T on the plus strand (G>A on the coding strand, the complement: LAMA1 is on the minus strand). VCF-style: chr18-7007150-C-T. GRCh37 (hg19) VCF-style: chr18-7007149-C-T.
Other names: c.4249G>A (NM_005559.3); short protein forms G1417R.
Identifiers: ClinVar variation 1483984 (VCV001483984.6), dbSNP rs770139495, ClinGen allele CA8881980.

ClinVar aggregate classification (germline): Uncertain significance. Review status: criteria provided, multiple submitters, no conflicts (2 of 4 stars). 2 submissions from 2 submitters: Uncertain significance (2). Last evaluated 2024-12-02.

Conditions:
Inborn genetic diseases. Identifiers: MedGen C0950123, MeSH D030342.

Allele frequency attached by ClinVar (database versions not stated): ExAC 0.00002; gnomAD 0.00002 and 0.00004; gnomAD exomes 0.00002; TOPMed 0.00003.
gnomAD v4.1: 20 of 1,613,928 alleles (0.0012%); highest among the groups gnomAD compares: Admixed American, 0.01%; no homozygotes.

Submissions (2):

Labcorp Genetics (formerly Invitae), Labcorp
Classification: Uncertain significance. Last evaluated: 2024-12-02. Review status: criteria provided, single submitter. Criteria: Invitae Variant Classification Sherloc (09022015). Collection method: clinical testing. Allele origin: germline.
Comment: This sequence change replaces glycine, which is neutral and non-polar, with arginine, which is basic and polar, at codon 1417 of the LAMA1 protein (p.Gly1417Arg). This variant is present in population databases (rs770139495, gnomAD 0.01%). This variant has not been reported in the literature in individuals affected with LAMA1-related conditions. ClinVar contains an entry for this variant (Variation ID: 1483984). Invitae Evidence Modeling of protein sequence and biophysical properties (such as structural, functional, and spatial information, amino acid conservation, physicochemical variation, residue mobility, and thermodynamic stability) indicates that this missense variant is expected to disrupt LAMA1 protein function with a positive predictive value of 80%. In summary, the available evidence is currently insufficient to determine the role of this variant in disease. Therefore, it has been classified as a Variant of Uncertain Significance.

Ambry Genetics
Classification: Uncertain significance for Inborn genetic diseases. Last evaluated: 2024-01-31. Review status: criteria provided, single submitter. Criteria: Ambry Variant Classification Scheme 2023. Collection method: clinical testing. Allele origin: germline.